The following is an entry in ClinVar:

NM_015627.3(LDLRAP1):c.713G>A (p.Arg238Gln)

Gene: LDLRAP1 (low density lipoprotein receptor adaptor protein 1; plus strand). Cytogenetic location: 1p36.11.
Variant type: single nucleotide variant.
Coding change: c.713G>A on transcript NM_015627.3 (MANE Select); coding-DNA position 713, G replaced by A.
Protein change: p.Arg238Gln; replaces arginine 238 with glutamine.
Molecular consequence: missense variant.
Genome position (GRCh38, 1-based): chr1:25,563,757, G>A. VCF-style: chr1-25563757-G-A. GRCh37 (hg19) VCF-style: chr1-25890248-G-A.
Other names: short protein forms R238Q.
Identifiers: ClinVar variation 536198 (VCV000536198.22), dbSNP rs148579379, ClinGen allele CA695699.

ClinVar aggregate classification (germline): Conflicting classifications of pathogenicity. Review status: criteria provided, conflicting classifications (1 of 4 stars). 7 submissions from 7 submitters: Uncertain significance (1); Benign (1); Likely benign (5). Last evaluated 2026-09-07.

Conditions:
Familial hypercholesterolemia. Also called: Familial hypercholesterolemias; Familial hypercholesterolaemia. Identifiers: MedGen C0020445, MONDO:0005439.
Cardiovascular phenotype. Identifiers: MedGen CN230736.
Hypercholesterolemia, familial, 4 (FHCL4). Also called: HYPERCHOLESTEROLEMIA, AUTOSOMAL RECESSIVE, 1; HYPERCHOLESTEROLEMIA, AUTOSOMAL RECESSIVE, 2. Identifiers: Orphanet 391665, MedGen C1863512, MONDO:0011374, OMIM 603813.

Allele frequency attached by ClinVar (database versions not stated): gnomAD 0.00227 and 0.00236; ESP Exome Variant Server 0.00238; TOPMed 0.00241; 1000 Genomes Project 0.00260; gnomAD exomes 0.00054; ExAC 0.00069; 1000 Genomes Project 30x 0.00344.
gnomAD v4.1: 665 of 1,613,998 alleles (0.041%); highest among the groups gnomAD compares: African/African-American, 0.79%; 1 homozygote.

Submissions (7):

Cambridge Genomics Laboratory, East Genomic Laboratory Hub, NHS Genomic Medicine Service
Classification: Uncertain significance for Familial hypercholesterolaemia. Last evaluated: 2026-09-07. Review status: criteria provided, single submitter. Criteria: ACGS Best Practice Guidelines for Variant Classification in Rare Disease 2020. Collection method: clinical testing. Allele origin: germline. Affected: yes.
Comment: BP4

Women's Health and Genetics/Laboratory Corporation of America, LabCorp
Classification: Likely benign. Last evaluated: 2026-02-24. Review status: criteria provided, single submitter. Criteria: LabCorp Variant Classification Summary - May 2015. Collection method: clinical testing. Allele origin: germline.
Comment: Variant summary: LDLRAP1 c.713G>A (p.Arg238Gln) results in a conservative amino acid change in the encoded protein sequence. Algorithms developed to predict the effect of missense changes on protein structure and function all suggest that this variant is likely to be tolerated. The variant allele was found at a frequency of 0.00054 in 250684 control chromosomes, predominantly at a frequency of 0.0076 within the African or African-American subpopulation in the gnomAD database, including 3 homozygotes. The observed variant frequency within African or African-American control individuals in the gnomAD database exceeds the estimated maximal expected allele frequency for disease-causing variants in LDLRAP1. To our knowledge, no occurrence of c.713G>A in individuals affected with LDLRAP1-related conditions and no experimental evidence demonstrating its impact on protein function have been reported. ClinVar contains an entry for this variant (Variation ID: 536198). Based on the evidence outlined above, the variant was classified as likely benign.

Labcorp Genetics (formerly Invitae), Labcorp
Classification: Likely benign for Hypercholesterolemia, familial, 4. Last evaluated: 2026-01-26. Review status: criteria provided, single submitter. Criteria: Invitae Variant Classification Sherloc (09022015). Collection method: clinical testing. Allele origin: germline.

GENinCode PLC
Classification: Benign for Hypercholesterolemia, familial, 4. Last evaluated: 2023-05-07. Review status: criteria provided, single submitter. Criteria: ACMG Guidelines, 2015. Collection method: clinical testing. Allele origin: germline.

Genome-Nilou Lab
Classification: Likely benign for Hypercholesterolemia, familial, 4. Last evaluated: 2023-04-11. Review status: criteria provided, single submitter. Criteria: ACMG Guidelines, 2015. Collection method: clinical testing. Allele origin: germline. Affected: no.

ARUP Laboratories, Molecular Genetics and Genomics, ARUP Laboratories
Classification: Likely benign for Hypercholesterolemia, familial, 4. Last evaluated: 2022-09-14. Review status: criteria provided, single submitter. Criteria: ARUP Molecular Germline Variant Investigation Process 2021. Collection method: clinical testing. Allele origin: germline.

Ambry Genetics
Classification: Likely benign for Cardiovascular phenotype. Last evaluated: 2021-03-02. Review status: criteria provided, single submitter. Criteria: Ambry Variant Classification Scheme 2023. Collection method: clinical testing. Allele origin: germline.

Literature cited by the submitters: PubMed 27247956 (cited by Women's Health and Genetics/Laboratory Corporation of America, LabCorp).